The following is an entry in ClinVar:

ClinVar aggregate classification (germline): Benign. Review status: criteria provided, multiple submitters, no conflicts (2 of 4 stars). 3 submissions from 3 submitters: Benign (3). Last evaluated 2026-08-01.

Allele frequency attached by ClinVar (database versions not stated): 1000 Genomes Project 0.00300; TOPMed 0.00612; ESP Exome Variant Server 0.00579; gnomAD 0.00710 and 0.00718; gnomAD exomes 0.00951; ExAC 0.00970; 1000 Genomes Project 30x 0.00281.
gnomAD v4.1: 11,747 of 1,613,946 alleles (0.73%); highest among the groups gnomAD compares: South Asian, 1.1%; 96 homozygotes.

Submissions (3):

CeGaT Center for Human Genetics Tuebingen
Classification: Benign. Last evaluated: 2026-08-01. Review status: criteria provided, single submitter. Criteria: CeGaT Center For Human Genetics Tuebingen Variant Classification Criteria Version 2. Collection method: clinical testing. Allele origin: germline. Affected: yes. Observed: 11 variant alleles.
Comment: RPL31: BS1, BS2; TBC1D8: BP4, BP7, BS1, BS2

Labcorp Genetics (formerly Invitae), Labcorp
Classification: Benign. Last evaluated: 2019-01-09. Review status: criteria provided, single submitter. Criteria: Invitae Variant Classification Sherloc (09022015). Collection method: clinical testing. Allele origin: germline.

Breakthrough Genomics
Classification: Benign. Review status: criteria provided, single submitter. Criteria: ACMG Guidelines, 2015. Collection method: not provided. Allele origin: germline. Inheritance: Unknown mechanism. Affected: yes.

NM_001330348.2(TBC1D8):c.3225T>C (p.Phe1075=)

Genes: RPL31 (ribosomal protein L31; plus strand), TBC1D8 (TBC1 domain family member 8; minus strand). Cytogenetic location: 2q11.2.
Variant type: single nucleotide variant.
Coding change: c.3225T>C on transcript NM_001330348.2 (MANE Select); coding-DNA position 3225, T replaced by C.
Protein change: p.Phe1075=; no amino-acid change (phenylalanine 1075 retained).
Molecular consequence: synonymous variant. On other transcripts: non-coding transcript variant (1), intron variant (1).
Genome position (GRCh38, 1-based): chr2:101,008,064, A>G on the plus strand (T>C on the coding strand, the complement: TBC1D8 is on the minus strand). VCF-style: chr2-101008064-A-G. GRCh37 (hg19) VCF-style: chr2-101624526-A-G.
Other names: c.3180T>C, p.Phe1060= (NM_001102426.3); c.346+1993A>G (NM_001098577.3).
Identifiers: ClinVar variation 774833 (VCV000774833.28), dbSNP rs78831774, ClinGen allele CA1804393.